The following is an entry in ClinVar:

ClinVar aggregate classification (germline): Benign/Likely benign. Review status: criteria provided, multiple submitters, no conflicts (2 of 4 stars). 5 submissions from 5 submitters: Benign (1); Likely benign (3). 1 of the submissions does not count toward it. Last evaluated 2026-01-24.

Conditions:
TBCK-related disorder. Also called: TBCK-related condition; TBCK-related disorders.

Allele frequency attached by ClinVar (database versions not stated): ESP Exome Variant Server 0.00038; 1000 Genomes Project 0.00040; 1000 Genomes Project 30x 0.00047; TOPMed 0.00074.
gnomAD v4.1: 643 of 1,577,242 alleles (0.041%); highest among the groups gnomAD compares: Admixed American, 0.28%; 6 homozygotes.

Submissions (5):

Labcorp Genetics (formerly Invitae), Labcorp
Classification: Benign. Last evaluated: 2026-01-24. Review status: criteria provided, single submitter. Criteria: Invitae Variant Classification Sherloc (09022015). Collection method: clinical testing. Allele origin: germline.

CeGaT Center for Human Genetics Tuebingen
Classification: Likely benign. Last evaluated: 2026-01-01. Review status: criteria provided, single submitter. Criteria: CeGaT Center For Human Genetics Tuebingen Variant Classification Criteria Version 2. Collection method: clinical testing. Allele origin: germline. Affected: yes. Observed: 2 variant alleles.
Comment: TBCK: BP4, BP7

Blueprint Genetics
Classification: Likely benign. Last evaluated: 2024-11-08. Review status: criteria provided, single submitter. Criteria: ACMG Guidelines, 2015. Collection method: clinical testing. Allele origin: germline.

Breakthrough Genomics
Classification: Likely benign. Review status: criteria provided, single submitter. Criteria: ACMG Guidelines, 2015. Collection method: not provided. Allele origin: germline. Inheritance: Autosomal recessive inheritance. Affected: yes.

PreventionGenetics, part of Exact Sciences
Classification: Likely benign for TBCK-related condition. Last evaluated: 2019-09-18. Review status: no assertion criteria provided. Collection method: clinical testing. Allele origin: germline. Not counted in ClinVar's aggregate classification.
Comment: This variant is classified as likely benign based on ACMG/AMP sequence variant interpretation guidelines (Richards et al. 2015 PMID: 25741868, with internal and published modifications).

NM_001163435.3(TBCK):c.1275G>A (p.Thr425=)

Gene: TBCK (TBC1 domain containing kinase; minus strand). Cytogenetic location: 4q24.
Variant type: single nucleotide variant.
Coding change: c.1275G>A on transcript NM_001163435.3 (MANE Select); coding-DNA position 1275, G replaced by A.
Protein change: p.Thr425=; no amino-acid change (threonine 425 retained).
Molecular consequence: synonymous variant.
Genome position (GRCh38, 1-based): chr4:106,236,465, C>T on the plus strand (G>A on the coding strand, the complement: TBCK is on the minus strand). VCF-style: chr4-106236465-C-T. GRCh37 (hg19) VCF-style: chr4-107157622-C-T.
Other names: c.1275G>A, p.Thr425= (NM_001163436.4); c.1158G>A, p.Thr386= (NM_001163437.3); c.759G>A, p.Thr253= (NM_001290768.2); c.1086G>A, p.Thr362= (NM_033115.5).
Identifiers: ClinVar variation 729493 (VCV000729493.45), dbSNP rs139522309, ClinGen allele CA3035119.